The following is an entry in ClinVar:

ClinVar aggregate classification (germline): Conflicting classifications of pathogenicity. Review status: criteria provided, conflicting classifications (1 of 4 stars). 2 submissions from 2 submitters: Pathogenic (1); Uncertain significance (1). Last evaluated 2025-12-23.

Submissions (2):

Labcorp Genetics (formerly Invitae), Labcorp
Classification: Uncertain significance. Last evaluated: 2025-12-23. Review status: criteria provided, single submitter. Criteria: Invitae Variant Classification Sherloc (09022015). Collection method: clinical testing. Allele origin: germline.
Comment: This sequence change replaces glycine, which is neutral and non-polar, with cysteine, which is neutral and slightly polar, at codon 373 of the NOTCH3 protein (p.Gly373Cys). This variant is not present in population databases (gnomAD no frequency). This variant has not been reported in the literature in individuals affected with NOTCH3-related conditions. ClinVar contains an entry for this variant (Variation ID: 447775). Invitae Evidence Modeling of protein sequence and biophysical properties (such as structural, functional, and spatial information, amino acid conservation, physicochemical variation, residue mobility, and thermodynamic stability) indicates that this missense variant is expected to disrupt NOTCH3 protein function with a positive predictive value of 95%. In summary, the available evidence is currently insufficient to determine the role of this variant in disease. Therefore, it has been classified as a Variant of Uncertain Significance.

Athena Diagnostics
Classification: Pathogenic. Last evaluated: 2016-09-26. Review status: criteria provided, single submitter. Criteria: Athena Diagnostics Criteria. Collection method: clinical testing. Allele origin: germline.

NM_000435.3(NOTCH3):c.1117G>T (p.Gly373Cys)

Gene: NOTCH3 (notch receptor 3; minus strand). Cytogenetic location: 19p13.12.
Variant type: single nucleotide variant.
Coding change: c.1117G>T on transcript NM_000435.3 (MANE Select); coding-DNA position 1117, G replaced by T.
Protein change: p.Gly373Cys; replaces glycine 373 with cysteine.
Molecular consequence: missense variant.
Genome position (GRCh38, 1-based): chr19:15,189,348, C>A on the plus strand (G>T on the coding strand, the complement: NOTCH3 is on the minus strand). VCF-style: chr19-15189348-C-A. GRCh37 (hg19) VCF-style: chr19-15300159-C-A.
Other names: short protein forms G373C.
Identifiers: ClinVar variation 447775 (VCV000447775.2), dbSNP rs1435305678, ClinGen allele CA404529256.